The following is an entry in ClinVar:

NM_198994.3(TGM6):c.2098G>A (p.Val700Ile)

Gene: TGM6 (transglutaminase 6; plus strand). Cytogenetic location: 20p13.
Variant type: single nucleotide variant.
Coding change: c.2098G>A on transcript NM_198994.3 (MANE Select); coding-DNA position 2098, G replaced by A.
Protein change: p.Val700Ile; replaces valine 700 with isoleucine.
Molecular consequence: missense variant. On other transcripts: 3 prime UTR variant (1).
Genome position (GRCh38, 1-based): chr20:2,432,620, G>A. VCF-style: chr20-2432620-G-A. GRCh37 (hg19) VCF-style: chr20-2413266-G-A.
Other names: c.*86G>A (NM_001254734.2); short protein forms V700I.
Identifiers: ClinVar variation 2715982 (VCV002715982.4), dbSNP rs749238511, ClinGen allele CA9732296.

ClinVar aggregate classification (germline): Uncertain significance. Review status: criteria provided, multiple submitters, no conflicts (2 of 4 stars). 2 submissions from 2 submitters: Uncertain significance (2). Last evaluated 2026-05-27.

Allele frequency attached by ClinVar (database versions not stated): ExAC 0.00003; TOPMed 0.00004; gnomAD 0.00005; 1000 Genomes Project 30x 0.00016.
gnomAD v4.1: 63 of 1,614,034 alleles (0.0039%); highest among the groups gnomAD compares: South Asian, 0.0077%; 1 homozygote.

Submissions (2):

Women's Health and Genetics/Laboratory Corporation of America, LabCorp
Classification: Uncertain significance. Last evaluated: 2026-05-27. Review status: criteria provided, single submitter. Criteria: LabCorp Variant Classification Summary - May 2015. Collection method: clinical testing. Allele origin: germline.
Comment: Variant summary: TGM6 c.2098G>A (p.Val700Ile) results in a conservative amino acid change in the encoded protein sequence. Algorithms developed to predict the effect of missense changes on protein structure and function are either unavailable or do not agree on the potential impact of this missense change. The variant allele was found at a frequency of 3.2e-05 in 251436 control chromosomes. The available data on variant occurrences in the general population are insufficient to allow any conclusion about variant significance. To our knowledge, no occurrence of c.2098G>A in individuals affected with TGM6-related conditions and no experimental evidence demonstrating its impact on protein function have been reported. ClinVar contains an entry for this variant (Variation ID: 2715982). Based on the evidence outlined above, the variant was classified as uncertain significance.

Labcorp Genetics (formerly Invitae), Labcorp
Classification: Uncertain significance. Last evaluated: 2025-03-17. Review status: criteria provided, single submitter. Criteria: Invitae Variant Classification Sherloc (09022015). Collection method: clinical testing. Allele origin: germline.
Comment: This sequence change replaces valine, which is neutral and non-polar, with isoleucine, which is neutral and non-polar, at codon 700 of the TGM6 protein (p.Val700Ile). This variant is present in population databases (rs749238511, gnomAD 0.01%). This variant has not been reported in the literature in individuals affected with TGM6-related conditions. ClinVar contains an entry for this variant (Variation ID: 2715982). Invitae Evidence Modeling of protein sequence and biophysical properties (such as structural, functional, and spatial information, amino acid conservation, physicochemical variation, residue mobility, and thermodynamic stability) indicates that this missense variant is not expected to disrupt TGM6 protein function with a negative predictive value of 80%. In summary, the available evidence is currently insufficient to determine the role of this variant in disease. Therefore, it has been classified as a Variant of Uncertain Significance.